The following is an entry in ClinVar:

ClinVar aggregate classification (germline): Uncertain significance. Review status: criteria provided, single submitter (1 of 4 stars). 2 submissions from 2 submitters: Uncertain significance (1). 1 of the submissions does not count toward it. Last evaluated 2025-01-21.

Conditions:
Leukoencephalopathy with brain stem and spinal cord involvement-high lactate syndrome (LBSL). Also called: Leukoencephalopathy with Brainstem and Spinal Cord Involvement and Lactate Elevation; LEUKOENCEPHALOPATHY WITH BRAINSTEM AND SPINAL CORD INVOLVEMENT AND LACTATE ELEVATION, MILD; MITOCHONDRIAL ASPARTYL-tRNA SYNTHETASE DEFICIENCY. Identifiers: Orphanet 137898, MedGen C1970180, MONDO:0012622, OMIM 611105.

gnomAD v4.1: 1 of 1,614,124 alleles (0.000062%); highest among the groups gnomAD compares: Non-Finnish European, 0.000085%; no homozygotes.

Submissions (2):

Broad Center for Mendelian Genomics, Broad Institute of MIT and Harvard
Classification: Uncertain significance for Leukoencephalopathy with brain stem and spinal cord involvement-high lactate syndrome. Last evaluated: 2025-01-21. Review status: criteria provided, single submitter. Criteria: ACMG Guidelines, 2015. Collection method: curation. Allele origin: germline. Inheritance: Autosomal recessive inheritance.
Comment: The p.Leu486Val variant in DARS2 has not been reported in two siblings with leukoencephalopathy with brain stem and spinal cord involvement-high lactate syndrome (PMID: 36198807), and has been identified in 0.00008% (1/1180014) of European (non-Finnish) chromosomes by the Genome Aggregation Database (gnomAD). Although this variant has been seen in the general population in a heterozygous state, its frequency is low enough to be consistent with a recessive carrier frequency. This variant has also been reported in ClinVar (Variation ID: 1704272) and has been interpreted as likely pathogenic by Center of Excellence for Medical Genomics (Chulalongkorn University). Computational prediction tools and conservation analyses suggest that this variant may impact the protein, though this information is not predictive enough to determine pathogenicity. In summary, the clinical significance of the p.Leu486Val variant is uncertain. ACMG/AMP Criteria applied: PP3, PM2_supporting (Richards 2015).

Center of Excellence for Medical Genomics, Chulalongkorn University
Classification: Likely pathogenic for Leukoencephalopathy with brain stem and spinal cord involvement-high lactate syndrome. Last evaluated: 2002-09-08. Review status: no assertion criteria provided. Collection method: research. Allele origin: maternal. Affected: yes. Not counted in ClinVar's aggregate classification.

NM_018122.5(DARS2):c.1456C>G (p.Leu486Val)

Gene: DARS2 (aspartyl-tRNA synthetase 2, mitochondrial; plus strand). Cytogenetic location: 1q25.1.
Variant type: single nucleotide variant.
Coding change: c.1456C>G on transcript NM_018122.5 (MANE Select); coding-DNA position 1456, C replaced by G.
Protein change: p.Leu486Val; replaces leucine 486 with valine.
Molecular consequence: missense variant.
Genome position (GRCh38, 1-based): chr1:173,853,460, C>G. VCF-style: chr1-173853460-C-G. GRCh37 (hg19) VCF-style: chr1-173822598-C-G.
Other names: NM_018122.5(DARS2):c.1456C>G; p.Leu486Val; c.1303C>G, p.Leu435Val (NM_001365212.1); short protein forms L435V, L486V.
Identifiers: ClinVar variation 1704272 (VCV001704272.2), dbSNP rs923118148, ClinGen allele CA343766511.